The following is an entry in ClinVar:

ClinVar aggregate classification (germline): Uncertain significance (1 of 4 stars; one submission).

Submission:

Ambry Genetics
Classification: Uncertain significance. Last evaluated: 2023-07-05. Review status: criteria provided, single submitter. Criteria: Ambry Variant Classification Scheme 2023. Collection method: clinical testing. Allele origin: germline.
Comment: The p.V1217A variant (also known as c.3650T>C), located in coding exon 31 of the PRKDC gene, results from a T to C substitution at nucleotide position 3650. The valine at codon 1217 is replaced by alanine, an amino acid with similar properties. This amino acid position is conserved. In addition, this alteration is predicted to be tolerated by in silico analysis. Since supporting evidence is limited at this time, the clinical significance of this alteration remains unclear.

NM_006904.7(PRKDC):c.3650T>C (p.Val1217Ala)

Gene: PRKDC (protein kinase, DNA-activated, catalytic subunit; minus strand). Cytogenetic location: 8q11.21.
Variant type: single nucleotide variant.
Coding change: c.3650T>C on transcript NM_006904.7 (MANE Select); coding-DNA position 3650, T replaced by C.
Protein change: p.Val1217Ala; replaces valine 1217 with alanine.
Molecular consequence: missense variant.
Genome position (GRCh38, 1-based): chr8:47,893,336, A>G on the plus strand (T>C on the coding strand, the complement: PRKDC is on the minus strand). VCF-style: chr8-47893336-A-G. GRCh37 (hg19) VCF-style: chr8-48805896-A-G.
Other names: c.3650T>C, p.Val1217Ala (NM_001081640.2); short protein forms V1217A.
Identifiers: ClinVar variation 2626333 (VCV002626333.2), dbSNP rs2551874353, ClinGen allele CA371150989.
Genomic context (GRCh38, chr8:47,893,336, plus strand): 5'-GCCAGGATGCCCGAGGGCTGGCCACAGCCACCCCCCTCAAAGGTGTTGATGAGAAAAGAG[A>G]CACCTTCTTCCTTGAGAACATCTTTCAGCCACAAATTAGGGGATCTGTTGCCTTTAAAAA-3'
Protein context (NP_008835.5, residues 1207-1227): WLKDVLKEEG[Val1217Ala]SFLINTFEGG